The following is an entry in ClinVar:

NM_001374504.1(TMPRSS6):c.2272G>C (p.Val758Leu)

Gene: TMPRSS6 (transmembrane serine protease 6; minus strand). Cytogenetic location: 22q12.3.
Variant type: single nucleotide variant.
Coding change: c.2272G>C on transcript NM_001374504.1 (MANE Select); coding-DNA position 2272, G replaced by C.
Protein change: p.Val758Leu; replaces valine 758 with leucine.
Molecular consequence: missense variant.
Genome position (GRCh38, 1-based): chr22:37,066,217, C>G on the plus strand (G>C on the coding strand, the complement: TMPRSS6 is on the minus strand). VCF-style: chr22-37066217-C-G. GRCh37 (hg19) VCF-style: chr22-37462257-C-G.
Other names: c.2338G>C, p.Val780Leu (NM_001289000.2); c.2272G>C, p.Val758Leu (NM_001289001.2, NM_153609.4); short protein forms V780L, V758L.
Identifiers: ClinVar variation 2103329 (VCV002103329.4), dbSNP rs2517711757, ClinGen allele CA411417325.

ClinVar aggregate classification (germline): Uncertain significance (1 of 4 stars; one submission).

Submission:

Labcorp Genetics (formerly Invitae), Labcorp
Classification: Uncertain significance. Last evaluated: 2022-02-25. Review status: criteria provided, single submitter. Criteria: Invitae Variant Classification Sherloc (09022015). Collection method: clinical testing. Allele origin: germline.
Comment: Algorithms developed to predict the effect of missense changes on protein structure and function are either unavailable or do not agree on the potential impact of this missense change (SIFT: "Tolerated"; PolyPhen-2: "Possibly Damaging"; Align-GVGD: "Class C0"). In summary, the available evidence is currently insufficient to determine the role of this variant in disease. Therefore, it has been classified as a Variant of Uncertain Significance. This variant has not been reported in the literature in individuals affected with TMPRSS6-related conditions. This variant is not present in population databases (gnomAD no frequency). This sequence change replaces valine, which is neutral and non-polar, with leucine, which is neutral and non-polar, at codon 767 of the TMPRSS6 protein (p.Val767Leu).